The following continues an entry in ClinVar:

NM_004004.6(GJB2):c.109G>A (p.Val37Ile)

Gene: GJB2. ClinVar aggregate classification (germline): Pathogenic. Pathogenic (1).

Submissions 38 to 52 of 65:

Johns Hopkins Genomics, Johns Hopkins University
Classification: Pathogenic for Autosomal recessive nonsyndromic hearing loss 1A. Last evaluated: 2020-09-11. Review status: criteria provided, single submitter. Criteria: ACMG Guidelines, 2015. Collection method: clinical testing. Allele origin: germline. Not counted in ClinVar's aggregate classification.
Comment: This GJB2 variant has been vetted by the ClinGen Hearing Loss Expert Panel and is predicted to be associated with autosomal recessive sensorineural hearing loss that is typically mild to moderate and bilateral. GJB2 c.109G>A (rs72474224) reaches polymorphic frequency (>1%) within the East Asian subpopulation in a large population dataset6 (gnomAD: 1665/19952 alleles; 8.3%, 96 homozygotes), however, it was found to be significantly overrepresented in hearing loss patients compared to population controls. This variant was found to segregate with hearing loss in a large number of families. Functional studies suggest that GJB2 c.109G>A impacts connexin 26 function, however, this has not been confimed to reflect the biologic process in human cochlea. We consider this variant to be pathogenic.

INGEBI, INGEBI / CONICET
Classification: Pathogenic for Nonsyndromic hearing loss and deafness. Last evaluated: 2020-08-31. Review status: criteria provided, single submitter. Criteria: ClinGen HL ACMG Specifications v1. Collection method: clinical testing. Allele origin: germline. Inheritance: Autosomal recessive inheritance. Affected: yes. Observed: 10 variant alleles, 3 heterozygotes, 7 compound heterozygotes. Clinical features observed: Prelinegual moderate to severe bilateral hearing loss. Not counted in ClinVar's aggregate classification.
Comment: Based on ACMG/AMP guidelines and Hearing Loss Expert Panel specific criteria: PS4, PP1_Strong, PM3

Myriad Genetics, Inc.
Classification: Pathogenic for Autosomal recessive nonsyndromic hearing loss 1A. Last evaluated: 2019-12-20. Review status: criteria provided, single submitter. Criteria: Myriad Women's Health Autosomal Recessive and X-Linked Classification Criteria (2019). Collection method: clinical testing. Allele origin: unknown. Not counted in ClinVar's aggregate classification.
Comment: NM_004004.5(GJB2):c.109G>A(V37I) is classified as pathogenic in the context of GJB2-related DFNB1 nonsyndromic hearing loss and deafness and is typically associated with slowly progressive bilateral mild to moderate hearing loss. Sources cited for classification include the following: PMID 12121355, 16840571, 16300957, 17935238, 10633133 and 15479191. Classification of NM_004004.5(GJB2):c.109G>A(V37I) is based on the following criteria: This is a well-established pathogenic variant in the literature that has been observed more frequently in patients with clinical diagnoses than in healthy populations. Please note: this variant was assessed in the context of healthy population screening.

Mendelics
Classification: Pathogenic for Autosomal recessive nonsyndromic hearing loss 1A. Last evaluated: 2019-05-28. Review status: criteria provided, single submitter. Criteria: Mendelics Assertion Criteria 2017. Collection method: clinical testing. Allele origin: unknown. Not counted in ClinVar's aggregate classification.

Women's Health and Genetics/Laboratory Corporation of America, LabCorp
Classification: Pathogenic for Deafness, autosomal recessive 1A. Last evaluated: 2018-10-15. Review status: criteria provided, single submitter. Criteria: LabCorp Variant Classification Summary - May 2015. Collection method: clinical testing. Allele origin: germline. Not counted in ClinVar's aggregate classification.
Comment: Variant summary: GJB2 c.109G>A (p.Val37Ile) results in a conservative amino acid change located in the Connexin, N-terminal of the encoded protein sequence. Three of five in-silico tools predict a damaging effect of the variant on protein function. The variant allele was found at a frequency of 0.0074 in 280234 control chromosomes in the gnomAD database, including 91 homozygotes. This frequency is not significantly higher than expected for a pathogenic variant in GJB2 causing Autosomal Recessive Non-Syndromic Hearing Loss (0.0074 vs 0.025), allowing no conclusion about variant significance. This variant was first listed as a polymorphism by Kelley_1998 due to finding of one heterozygote of this variant in 96 control persons. However, all following studies on genotype-phenotype in patients and gene function suggest that this variant is pathogenic. In hearing loss patients with this variant, clinical severity ranges from mild to moderate. In a Chinese study (Chai_2015), the variant was strongly associated with both mild-to-moderate (p=2.01011) and severe-to-profound (p=0.001) HI, but was estimated to have a rather low penetrance (17%). Huang_2015 showed that among the 3,864 Chinese patients, 106 (2.74%) had a homozygous p.V37I variation or a compound p.V37I plus other GJB2 pathogenic mutation, a frequency that was significantly higher than that in the control group (600 individuals, 0%). Homozygotes of this variant or compound heterozygotes of this variant and a pathogenic variant in GJB2 were reported in patients with hearing loss in populations other than East Asian (Robionet_2000, Wilcox_2000, Snoeckx_2005). In vitro junctional conductance and biochemical permeability study on mutant Cx26 V37I showed the function of Cx26 V37I was significantly decreased (Bruzzone_2003 and Kim_2015). Nine clinical diagnostic laboratories have submitted clinical-significance assessments for this variant to ClinVar after 2014 without evidence for independent evaluation. Eight of these have reported a classification as pathogenic (n=7) or likely pathogenic (n =1). This is consistent with the results of the "Clingen hearing loss variant curation expert panel" that has settled upon a classification for this variant as "Pathogenic" based on compelling statistical and supporting functional evidence (personal correspondence, manuscript in preparation at this time of classification) . Based on the evidence outlined above, the variant was classified as pathogenic.

Illumina Laboratory Services, Illumina
Classification: Pathogenic for Autosomal recessive nonsyndromic hearing loss 1A. Last evaluated: 2017-04-27. Review status: criteria provided, single submitter. Criteria: ICSL Variant Classification Criteria 09 May 2019. Collection method: clinical testing. Allele origin: germline. Not counted in ClinVar's aggregate classification.
Comment: The GJB2 c.109G>A (p.Val37Ile) missense variant is widely reported in the literature. The variant was first identified in a compound heterozygous state with a second variant in a single individual with hearing loss (Abe et al. 2000). Pollak et al. (2007) found the variant was significantly overrepresented in individuals with hearing loss as compared to controls (5.2% compared to 0.43%) and suggested that this variant might cause a late onset, mild form of hearing loss with reduced penetrance when found in combination with other variants in the GJB2 gene. In an evaluation of over 1000 newborns, Wu et al. (2011) identified several homozygotes and compound heterozygotes for the p.Val37Ile variant, with both normal hearing and varying degrees of hearing loss. Expression studies have demonstrated that the p.Val37Ile variant results in a complete loss of homotypic gap junction channel activity (Snoeckx et al. 2005). The p.Val37Ile variant is reported at a frequency of 0.08586 in the Kinh in Ho Chi Minh City, Vietnam, population of the 1000 Genomes Project. This frequency is high but may be consistent with the prevalence of mild hearing loss in the population. Based on the collective evidence, the p.Val37Ile variant is classified as pathogenic for autosomal recessive nonsyndromic hearing loss, though is associated with a mild phenotype and reduced penetrance. This variant was observed by ICSL as part of a predisposition screen in an ostensibly healthy population.

Eurofins Ntd Llc (ga)
Classification: Pathogenic. Last evaluated: 2016-08-17. Review status: criteria provided, single submitter. Criteria: EGL Classification Definitions. Collection method: clinical testing. Allele origin: germline. Observed: 54 variant alleles, 45 heterozygotes, 9 homozygotes. Not counted in ClinVar's aggregate classification.

Knight Diagnostic Laboratories, Oregon Health and Sciences University
Classification: Pathogenic for Hearing loss, non-syndromic. Last evaluated: 2016-08-05. Review status: criteria provided, single submitter. Criteria: ACMG Guidelines, 2015. Collection method: clinical testing. Allele origin: germline. Observed: 4 variant alleles. Not counted in ClinVar's aggregate classification.

Clinical Genetics and Genomics, Karolinska University Hospital
Classification: Likely pathogenic. Last evaluated: 2016-02-17. Review status: criteria provided, single submitter. Criteria: ACMG Guidelines, 2015. Collection method: clinical testing. Allele origin: germline. Affected: yes. Observed: 1 variant allele. Not counted in ClinVar's aggregate classification.

Centre for Mendelian Genomics, University Medical Centre Ljubljana
Classification: Likely pathogenic for Hearing impairment. Last evaluated: 2014-05-21. Review status: criteria provided, single submitter. Criteria: ACMG Guidelines, 2015. Collection method: clinical testing. Allele origin: unknown. Affected: yes. Not counted in ClinVar's aggregate classification.

UCLA Clinical Genomics Center, UCLA
Classification: Likely pathogenic for Deafness, autosomal recessive 1A. Last evaluated: 2013-10-01. Review status: criteria provided, single submitter. Criteria: Lee et al. (JAMA. 2014). Collection method: clinical testing. Allele origin: germline. Inheritance: Autosomal recessive inheritance. Affected: yes. Study: CES. Not counted in ClinVar's aggregate classification.

Genetic Services Laboratory, University of Chicago
Classification: Pathogenic for Hearing impairment. Last evaluated: 2013-02-08. Review status: criteria provided, single submitter. Criteria: ACMG Guidelines, 2007. Collection method: clinical testing. Allele origin: germline. Inheritance: Autosomal recessive inheritance. Affected: yes. Not counted in ClinVar's aggregate classification.

Baylor Genetics
Classification: Pathogenic for Autosomal recessive nonsyndromic hearing loss 1A; Autosomal recessive nonsyndromic hearing loss 1B. Review status: criteria provided, single submitter. Criteria: ACMG Guidelines, 2015. Collection method: clinical testing. Allele origin: germline. Not counted in ClinVar's aggregate classification.

Clinical Genetics Service, Universitary Hospital 12 de Octubre
Classification: Pathogenic for Autosomal recessive nonsyndromic hearing loss 1A. Review status: criteria provided, single submitter. Criteria: ACMG Guidelines, 2015. Collection method: clinical testing. Allele origin: germline. Affected: yes. Not counted in ClinVar's aggregate classification.

Juno Genomics, Hangzhou Juno Genomics, Inc
Classification: Pathogenic for Autosomal recessive nonsyndromic hearing loss 1A. Review status: criteria provided, single submitter. Criteria: ACMG Guidelines, 2015. Collection method: clinical testing. Allele origin: germline. Not counted in ClinVar's aggregate classification.
Comment: The prevalence of the variant in affected individuals is significantly increased compared to the prevalence in controls.;For recessive disorders, detected in trans with a pathogenic variant.;Co-segregation with disease in multiple affected family members.